The following is an entry in ClinVar:

ClinVar aggregate classification (germline): Uncertain significance (1 of 4 stars; one submission).

Conditions:
SCAPER-related disorder. Also called: SCAPER-related condition.

gnomAD v4.1: 6 of 1,606,750 alleles (0.00037%); highest among the groups gnomAD compares: African/African-American, 0.008%; no homozygotes.

Submission:

PreventionGenetics, part of Exact Sciences
Classification: Uncertain significance for SCAPER-related condition. Last evaluated: 2024-12-17. Review status: criteria provided, single submitter. Criteria: ACMG Guidelines, 2015. Collection method: clinical testing. Allele origin: germline.
Comment: The SCAPER c.2720A>T variant is predicted to result in the amino acid substitution p.Tyr907Phe. To our knowledge, this variant has not been reported in the literature or in a large population database (gnomAD), indicating this variant is rare. At this time, the clinical significance of this variant is uncertain due to the absence of conclusive functional and genetic evidence.

NM_020843.4(SCAPER):c.2702A>T (p.Tyr901Phe)

Gene: SCAPER (S-phase cyclin A associated protein in the ER; minus strand). Cytogenetic location: 15q24.3.
Variant type: single nucleotide variant.
Coding change: c.2702A>T on transcript NM_020843.4 (MANE Select); coding-DNA position 2702, A replaced by T.
Protein change: p.Tyr901Phe; replaces tyrosine 901 with phenylalanine.
Molecular consequence: missense variant. On other transcripts: non-coding transcript variant (1).
Genome position (GRCh38, 1-based): chr15:76,621,773, T>A on the plus strand (A>T on the coding strand, the complement: SCAPER is on the minus strand). VCF-style: chr15-76621773-T-A. GRCh37 (hg19) VCF-style: chr15-76914114-T-A.
Other names: c.1964A>T, p.Tyr655Phe (NM_001145923.2); c.2720A>T, p.Tyr907Phe (NM_001353009.2); c.2300A>T, p.Tyr767Phe (NM_001353010.2, NM_001353012.2); c.2318A>T, p.Tyr773Phe (NM_001353011.2); short protein forms Y773F, Y907F, Y655F, Y767F, Y901F.
Identifiers: ClinVar variation 4987070 (VCV004987070.1).
Genomic context (GRCh38, chr15:76,621,773, plus strand): 5'-TGTTACAGGCATAGACTGAAGAAAAGGAGAACTAAAATGTGGAATACTCACTTTGCTTTA[T>A]AAGGTGAATCAGAGCCAGAATTTTTGGTTTCCATTAAACTCTCATATTCCTTAGCCCTGA-3'
Protein context (NP_065894.2, residues 891-911): ETKNSGSDSP[Tyr901Phe]KAKLQRLAKD